The following is an entry in ClinVar:

ClinVar aggregate classification (germline): Pathogenic. Review status: criteria provided, multiple submitters, no conflicts (2 of 4 stars). 3 submissions from 3 submitters: Pathogenic (2). 1 of the submissions does not count toward it. Last evaluated 2025-04-09.

Conditions:
Granulomatous disease, chronic, X-linked. Also called: CYTOCHROME b-NEGATIVE GRANULOMATOUS DISEASE, CHRONIC, X-LINKED; GRANULOMATOUS DISEASE, CHRONIC, X-LINKED, SOMATIC MOSAIC. Identifiers: Orphanet 379, MedGen C1844376, MONDO:0010600, OMIM 306400.
Chronic granulomatous disease. Identifiers: Orphanet 379, MedGen C0018203, MONDO:0018305.

Submissions (3):

GeneDx
Classification: Pathogenic. Last evaluated: 2025-04-09. Review status: criteria provided, single submitter. Criteria: GeneDx Variant Classification Process June 2021. Collection method: clinical testing. Allele origin: germline. Affected: yes.
Comment: Canonical splice site variant predicted to result in a null allele in a gene for which loss of function is a known mechanism of disease; Not observed at significant frequency in large population cohorts (gnomAD); This variant is associated with the following publications: (PMID: 8615831, 11162142, 20729109, 9585602, 29560547, 33625032, 8634410)

Women's Health and Genetics/Laboratory Corporation of America, LabCorp
Classification: Pathogenic for Granulomatous disease, chronic, X-linked. Last evaluated: 2021-02-08. Review status: criteria provided, single submitter. Criteria: LabCorp Variant Classification Summary - May 2015. Collection method: clinical testing. Allele origin: germline.
Comment: Variant summary: CYBB c.483+1G>T is located in a canonical splice-site and is predicted to affect mRNA splicing resulting in a significantly altered protein due to either exon skipping, shortening, or inclusion of intronic material. Several computational tools predict a significant impact on normal splicing: Four predict that the variant abolishes a 5-prime splicing donor site. However, these predictions have yet to be confirmed by functional studies. The variant was absent in 180531 control chromosomes. c.483+1G>T has been reported in the literature in multiple individuals affected with X-Linked Chronic Granulomatous Disease (e.g. Roos_2010, Zhou_2018). These data indicate that the variant is very likely to be associated with disease. To our knowledge, no experimental evidence demonstrating an impact on protein function has been reported. Two other clinical diagnostic laboratories have submitted clinical-significance assessments for this variant to ClinVar after 2014 without evidence for independent evaluation. Both laboratories cited the variant as pathogenic. Based on the evidence outlined above, the variant was classified as pathogenic.

Natera, Inc.
Classification: Pathogenic for Chronic granulomatous disease. Last evaluated: 2020-09-16. Review status: no assertion criteria provided. Collection method: clinical testing. Allele origin: germline. Not counted in ClinVar's aggregate classification.

Literature cited by the submitters: PubMed 8634410 (cited by Women's Health and Genetics/Laboratory Corporation of America, LabCorp); PubMed 20729109 (cited by Women's Health and Genetics/Laboratory Corporation of America, LabCorp); PubMed 29560547 (cited by Women's Health and Genetics/Laboratory Corporation of America, LabCorp).

NM_000397.4(CYBB):c.483+1G>T

Gene: CYBB (cytochrome b-245 beta chain; plus strand). Cytogenetic location: Xp21.1.
Variant type: single nucleotide variant.
Coding change: c.483+1G>T on transcript NM_000397.4 (MANE Select); the canonical splice donor site of the intron after coding-DNA position 483, G replaced by T.
Molecular consequence: splice donor variant.
Genome position (GRCh38, 1-based): chrX:37,793,811, G>T. VCF-style: chrX-37793811-G-T. GRCh37 (hg19) VCF-style: chrX-37653064-G-T.
Identifiers: ClinVar variation 430197 (VCV000430197.5), dbSNP rs1131691828, ClinGen allele CA412975615.